The following is an entry in ClinVar:

ClinVar aggregate classification (germline): Uncertain significance (1 of 4 stars; one submission).

Conditions:
Spastic paraplegia. Identifiers: MedGen C0037772, HP:0001258.

Allele frequency attached by ClinVar (database versions not stated): gnomAD 0.00001; gnomAD exomes 0.00003.
gnomAD v4.1: 43 of 1,613,532 alleles (0.0027%); highest among the groups gnomAD compares: Non-Finnish European, 0.0036%; no homozygotes.

Submission:

Labcorp Genetics (formerly Invitae), Labcorp
Classification: Uncertain significance for Spastic paraplegia. Last evaluated: 2022-09-13. Review status: criteria provided, single submitter. Criteria: Invitae Variant Classification Sherloc (09022015). Collection method: clinical testing. Allele origin: germline.
Comment: In summary, the available evidence is currently insufficient to determine the role of this variant in disease. Therefore, it has been classified as a Variant of Uncertain Significance. Algorithms developed to predict the effect of missense changes on protein structure and function are either unavailable or do not agree on the potential impact of this missense change (SIFT: "Deleterious"; PolyPhen-2: "Probably Damaging"; Align-GVGD: "Class C0"). ClinVar contains an entry for this variant (Variation ID: 1434086). This variant has not been reported in the literature in individuals affected with AP4E1-related conditions. This variant is not present in population databases (gnomAD no frequency). This sequence change replaces tyrosine, which is neutral and polar, with cysteine, which is neutral and slightly polar, at codon 98 of the AP4E1 protein (p.Tyr98Cys).

NM_007347.5(AP4E1):c.293A>G (p.Tyr98Cys)

Gene: AP4E1 (adaptor related protein complex 4 subunit epsilon 1; plus strand). Cytogenetic location: 15q21.2.
Variant type: single nucleotide variant.
Coding change: c.293A>G on transcript NM_007347.5 (MANE Select); coding-DNA position 293, A replaced by G.
Protein change: p.Tyr98Cys; replaces tyrosine 98 with cysteine.
Molecular consequence: missense variant.
Genome position (GRCh38, 1-based): chr15:50,915,518, A>G. VCF-style: chr15-50915518-A-G. GRCh37 (hg19) VCF-style: chr15-51207715-A-G.
Other names: c.68A>G, p.Tyr23Cys (NM_001252127.2); short protein forms Y23C, Y98C.
Identifiers: ClinVar variation 1434086 (VCV001434086.8), dbSNP rs1203910887, ClinGen allele CA392412657.